The following is an entry in ClinVar:

NM_058216.3(RAD51C):c.202T>G (p.Cys68Gly)

Gene: RAD51C (RAD51 paralog C; plus strand). Cytogenetic location: 17q22.
Variant type: single nucleotide variant.
Coding change: c.202T>G on transcript NM_058216.3 (MANE Select); coding-DNA position 202, T replaced by G.
Protein change: p.Cys68Gly; replaces cysteine 68 with glycine.
Molecular consequence: missense variant. On other transcripts: non-coding transcript variant (2).
Genome position (GRCh38, 1-based): chr17:58,694,987, T>G. VCF-style: chr17-58694987-T-G. GRCh37 (hg19) VCF-style: chr17-56772348-T-G.
Other names: c.202T>G, p.Cys68Gly (NM_002876.4, NM_058217.1); short protein forms C68G.
Identifiers: ClinVar variation 1784748 (VCV001784748.4), dbSNP rs2143719397, ClinGen allele CA400340000.

ClinVar aggregate classification (germline): Uncertain significance. Review status: criteria provided, multiple submitters, no conflicts (2 of 4 stars). 2 submissions from 2 submitters: Uncertain significance (2). Last evaluated 2024-03-07.

Conditions:
Hereditary cancer-predisposing syndrome. Also called: Neoplastic Syndromes, Hereditary; Tumor predisposition; Hereditary Cancer Syndrome; Hereditary neoplastic syndrome. Identifiers: Orphanet 140162, MedGen C0027672, MeSH D009386, MONDO:0015356.

Submissions (2):

Color Diagnostics, LLC DBA Color Health
Classification: Uncertain significance for Hereditary cancer-predisposing syndrome. Last evaluated: 2024-03-07. Review status: criteria provided, single submitter. Criteria: ACMG Guidelines, 2015. Collection method: clinical testing. Allele origin: germline.
Comment: This missense variant replaces cysteine with glycine at codon 68 of the RAD51C protein. Computational prediction suggests that this variant may not impact protein structure and function (internally defined REVEL score threshold <= 0.5, PMID: 27666373). To our knowledge, functional studies have not been reported for this variant. This variant has not been reported in individuals affected with hereditary cancer in the literature. This variant has not been identified in the general population by the Genome Aggregation Database (gnomAD). The available evidence is insufficient to determine the role of this variant in disease conclusively. Therefore, this variant is classified as a Variant of Uncertain Significance.

Ambry Genetics
Classification: Uncertain significance for Hereditary cancer-predisposing syndrome. Last evaluated: 2017-03-10. Review status: criteria provided, single submitter. Criteria: Ambry Variant Classification Scheme 2023. Collection method: clinical testing. Allele origin: germline.
Comment: The p.C68G variant (also known as c.202T>G), located in coding exon 2 of the RAD51C gene, results from a T to G substitution at nucleotide position 202. The cysteine at codon 68 is replaced by glycine, an amino acid with highly dissimilar properties. This amino acid position is well conserved in available vertebrate species. In addition, this alteration is predicted to be tolerated by in silico analysis. Since supporting evidence is limited at this time, the clinical significance of this alteration remains unclear.